The following is an entry in ClinVar:

NM_000170.3(GLDC):c.1328G>A (p.Gly443Asp)

Gene: GLDC (glycine decarboxylase; minus strand). Cytogenetic location: 9p24.1.
Variant type: single nucleotide variant.
Coding change: c.1328G>A on transcript NM_000170.3 (MANE Select); coding-DNA position 1328, G replaced by A.
Protein change: p.Gly443Asp; replaces glycine 443 with aspartic acid.
Molecular consequence: missense variant.
Genome position (GRCh38, 1-based): chr9:6,592,924, C>T on the plus strand (G>A on the coding strand, the complement: GLDC is on the minus strand). VCF-style: chr9-6592924-C-T. GRCh37 (hg19) VCF-style: chr9-6592924-C-T.
Other names: short protein forms G443D.
Identifiers: ClinVar variation 968167 (VCV000968167.9), dbSNP rs769583276, ClinGen allele CA4980761.

ClinVar aggregate classification (germline): Uncertain significance. Review status: criteria provided, single submitter (1 of 4 stars). 2 submissions from 2 submitters: Uncertain significance (1). 1 of the submissions does not count toward it. Last evaluated 2022-05-30.

Conditions:
Glycine encephalopathy. Also called: Non-ketotic hyperglycinemia; Nonketotic hyperglycinemia. Identifiers: Orphanet 407, MedGen C0751748, MONDO:0011612, HP:0008288.

Allele frequency attached by ClinVar (database versions not stated): ExAC 0.00001; gnomAD exomes 0.00001; TOPMed 0.00001.
gnomAD v4.1: 64 of 1,613,996 alleles (0.004%); highest among the groups gnomAD compares: Non-Finnish European, 0.0054%; no homozygotes.

Submissions (2):

Labcorp Genetics (formerly Invitae), Labcorp
Classification: Uncertain significance for Glycine encephalopathy. Last evaluated: 2022-05-30. Review status: criteria provided, single submitter. Criteria: Invitae Variant Classification Sherloc (09022015). Collection method: clinical testing. Allele origin: germline.
Comment: This sequence change replaces glycine, which is neutral and non-polar, with aspartic acid, which is acidic and polar, at codon 443 of the GLDC protein (p.Gly443Asp). This variant is not present in population databases (gnomAD no frequency). This variant has not been reported in the literature in individuals affected with GLDC-related conditions. ClinVar contains an entry for this variant (Variation ID: 968167). Advanced modeling of protein sequence and biophysical properties (such as structural, functional, and spatial information, amino acid conservation, physicochemical variation, residue mobility, and thermodynamic stability) performed at Invitae indicates that this missense variant is not expected to disrupt GLDC protein function. In summary, the available evidence is currently insufficient to determine the role of this variant in disease. Therefore, it has been classified as a Variant of Uncertain Significance.

Natera, Inc.
Classification: Uncertain significance for Non-ketotic hyperglycinemia. Last evaluated: 2021-01-04. Review status: no assertion criteria provided. Collection method: clinical testing. Allele origin: germline. Not counted in ClinVar's aggregate classification.